The following is an entry in ClinVar:

ClinVar aggregate classification (germline): Uncertain significance (1 of 4 stars; one submission).

Allele frequency attached by ClinVar (database versions not stated): gnomAD exomes below 0.00001.

Submission:

Laboratory for Molecular Medicine, Mass General Brigham Personalized Medicine
Classification: Uncertain significance. Last evaluated: 2020-08-14. Review status: criteria provided, single submitter. Criteria: LMM Criteria. Collection method: clinical testing. Allele origin: germline. Observed: 1 variant allele.
Comment: Variant classified as Uncertain Significance - Favor Pathogenic. The c.168+3_168+4delAA variant in MYO3A has not been previously reported in individuals with hearing loss and was absent from large population studies. This variant is located in the 5' splice region. Computational tools predict a splicing impact, though this information is not predictive enough to determine pathogenicity. In summary, while there is some suspicion for a pathogenic role, the clinical significance of this variant is uncertain. ACMG/AMP Criteria applied: PM2, PP3.

NM_017433.5(MYO3A):c.168+3_168+4del

Gene: MYO3A (myosin IIIA; plus strand). Cytogenetic location: 10p12.1.
Variant type: Deletion.
Coding change: c.168+3_168+4del on transcript NM_017433.5 (MANE Select); bases 3 to 4 of the intron after coding-DNA position 168, 2 bases deleted (AA; older notation c.168+3_168+4delAA).
Molecular consequence: intron variant.
Genome position (GRCh38, 1-based): chr10:25,952,281-25,952,282, AA deleted. VCF-style (leftmost placement, unchanged base first): chr10-25952280-TAA-T. GRCh37 (hg19) VCF-style: chr10-26241209-TAA-T.
Other names: c.168+3_168+4del (NM_001368265.1).
Identifiers: ClinVar variation 1120130 (VCV001120130.4), dbSNP rs2130551945, ClinGen allele CA2499220217.